The following is an entry in ClinVar:

NM_002471.4(MYH6):c.3903G>A (p.Ser1301=)

Gene: MYH6 (myosin heavy chain 6; minus strand). Cytogenetic location: 14q11.2.
Variant type: single nucleotide variant.
Coding change: c.3903G>A on transcript NM_002471.4 (MANE Select); coding-DNA position 3903, G replaced by A.
Protein change: p.Ser1301=; no amino-acid change (serine 1301 retained).
Molecular consequence: synonymous variant.
Genome position (GRCh38, 1-based): chr14:23,389,468, C>T on the plus strand (G>A on the coding strand, the complement: MYH6 is on the minus strand). VCF-style: chr14-23389468-C-T. GRCh37 (hg19) VCF-style: chr14-23858677-C-T.
Identifiers: ClinVar variation 44493 (VCV000044493.49), dbSNP rs201804323, ClinGen allele CA134357.
Genomic context (GRCh38, chr14:23,389,468, plus strand): 5'-CAGCTGCCTTTTGAGGTCCTCCATTTGCTGGGTATAAGAGAGCTTCCCCCGGGTCAGCTG[C>T]GAGATTAGCGCCTCCTTTTCCTCTAGCTGCCGGGCCAACTCTCCTGGAGGTGAAATGAGG-3'
Protein context (NP_002462.2, residues 1291-1311): RQLEEKEALI[Ser1301=]QLTRGKLSYT

ClinVar aggregate classification (germline): Benign/Likely benign. Review status: criteria provided, multiple submitters, no conflicts (2 of 4 stars). 17 submissions from 17 submitters: Benign (2); Likely benign (10). 5 of the submissions do not count toward it. Last evaluated 2026-08-01.

Conditions:
MYH6-related disorder. Also called: MYH6-Related Disorders; MYH6-related condition.
Cardiovascular phenotype. Identifiers: MedGen CN230736.
Dilated cardiomyopathy 1EE (CMD1EE). Identifiers: Orphanet 154, MedGen C2750466, MONDO:0013198, OMIM 613252.
Hypertrophic cardiomyopathy 14. Identifiers: MedGen C2750467, MONDO:0013197, OMIM 613251.
Atrial septal defect 3 (ASD3). Identifiers: Orphanet 1478, MedGen C3279790, MONDO:0013567, OMIM 614089.
Hypertrophic cardiomyopathy 1 (CMH1). Also called: Familial hypertrophic cardiomyopathy 1; MYH7-Related Familial Hypertrophic Cardiomyopathy. Identifiers: MedGen C3495498, MONDO:0008647, OMIM 192600.
Sick sinus syndrome 3, susceptibility to (SSS3). Identifiers: Orphanet 166282, MedGen C3279791, MONDO:0013568, OMIM 614090.
Cardiomyopathy (CMYO). Also called: Cardiomyopathies. Identifiers: Orphanet 167848, MedGen C0878544, MONDO:0004994, HP:0001638. Inheritance: Various modes of inheritance.

Allele frequency attached by ClinVar (database versions not stated): gnomAD exomes 0.00065; TOPMed 0.00043; gnomAD 0.00048 and 0.00052; ESP Exome Variant Server 0.00023.
gnomAD v4.1: 676 of 1,614,074 alleles (0.042%); highest among the groups gnomAD compares: Middle Eastern, 0.3%; 3 homozygotes.

Submissions (17):

CeGaT Center for Human Genetics Tuebingen
Classification: Likely benign. Last evaluated: 2026-08-01. Review status: criteria provided, single submitter. Criteria: CeGaT Center For Human Genetics Tuebingen Variant Classification Criteria Version 2. Collection method: clinical testing. Allele origin: germline. Affected: yes. Observed: 2 variant alleles.
Comment: MYH6: BP4, BP7

Labcorp Genetics (formerly Invitae), Labcorp
Classification: Likely benign for Hypertrophic cardiomyopathy 14. Last evaluated: 2026-02-01. Review status: criteria provided, single submitter. Criteria: Invitae Variant Classification Sherloc (09022015). Collection method: clinical testing. Allele origin: germline.

PreventionGenetics, part of Exact Sciences
Classification: Likely benign for MYH6-related condition. Last evaluated: 2024-11-07. Review status: criteria provided, single submitter. Criteria: ACMG Guidelines, 2015. Collection method: clinical testing. Allele origin: germline.
Comment: This variant is classified as likely benign based on ACMG/AMP sequence variant interpretation guidelines (Richards et al. 2015 PMID: 25741868, with internal and published modifications).

Blueprint Genetics
Classification: Likely benign. Last evaluated: 2024-11-01. Review status: criteria provided, single submitter. Criteria: ACMG Guidelines, 2015. Collection method: clinical testing. Allele origin: germline.

GeneDx
Classification: Likely benign. Last evaluated: 2021-11-23. Review status: criteria provided, single submitter. Criteria: GeneDx Variant Classification Process June 2021. Collection method: clinical testing. Allele origin: germline. Affected: yes.

Fulgent Genetics
Classification: Likely benign for Hypertrophic cardiomyopathy 1; Hypertrophic cardiomyopathy 14; Dilated cardiomyopathy 1EE; Atrial septal defect 3; Sick sinus syndrome 3, susceptibility to. Last evaluated: 2021-10-20. Review status: criteria provided, single submitter. Criteria: ACMG Guidelines, 2015. Collection method: clinical testing. Allele origin: unknown.

Women's Health and Genetics/Laboratory Corporation of America, LabCorp
Classification: Benign. Last evaluated: 2021-03-13. Review status: criteria provided, single submitter. Criteria: LabCorp Variant Classification Summary - May 2015. Collection method: clinical testing. Allele origin: germline.

ARUP Laboratories, Molecular Genetics and Genomics, ARUP Laboratories
Classification: Benign. Last evaluated: 2019-07-26. Review status: criteria provided, single submitter. Criteria: ARUP Molecular Germline Variant Investigation Process. Collection method: clinical testing. Allele origin: germline.

CHEO Genetics Diagnostic Laboratory, Children's Hospital of Eastern Ontario
Classification: Likely benign for Cardiomyopathy. Last evaluated: 2016-08-04. Review status: criteria provided, single submitter. Criteria: ACMG Guidelines, 2015. Collection method: clinical testing. Allele origin: germline. Study: Canadian Open Genetics Repository.

Ambry Genetics
Classification: Likely benign for Cardiovascular phenotype. Last evaluated: 2016-04-08. Review status: criteria provided, single submitter. Criteria: Ambry Variant Classification Scheme 2023. Collection method: clinical testing. Allele origin: germline.

Laboratory for Molecular Medicine, Mass General Brigham Personalized Medicine
Classification: Likely benign. Last evaluated: 2015-07-07. Review status: criteria provided, single submitter. Criteria: LMM Criteria. Collection method: clinical testing. Allele origin: germline. Observed: 6 variant alleles.
Comment: p.Ser1301Ser in exon 28 of MYH6: This variant is not expected to have clinical s ignificance because it does not alter an amino acid residue and is not located w ithin the splice consensus sequence. It has been identified in 52/66738 European chromosomes by the Exome Aggregation Consortium (ExAC; dbSNP rs201804323).

Breakthrough Genomics
Classification: Likely benign. Review status: criteria provided, single submitter. Criteria: ACMG Guidelines, 2015. Collection method: not provided. Allele origin: germline. Inheritance: Autosomal dominant inheritance. Affected: yes.

Clinical Genetics DNA and cytogenetics Diagnostics Lab, Erasmus MC, Erasmus Medical Center
Classification: Likely benign. Review status: no assertion criteria provided. Collection method: clinical testing. Allele origin: germline. Affected: yes. Study: VKGL Data-share Consensus. Not counted in ClinVar's aggregate classification.

Clinical Genetics, Academic Medical Center
Classification: Benign. Review status: no assertion criteria provided. Collection method: clinical testing. Allele origin: germline. Affected: yes. Study: VKGL Data-share Consensus. Not counted in ClinVar's aggregate classification.

Diagnostic Laboratory, Department of Genetics, University Medical Center Groningen
Classification: Likely benign. Review status: no assertion criteria provided. Collection method: clinical testing. Allele origin: germline. Affected: yes. Study: VKGL Data-share Consensus. Not counted in ClinVar's aggregate classification.

Genome Diagnostics Laboratory, University Medical Center Utrecht
Classification: Likely benign. Review status: no assertion criteria provided. Collection method: clinical testing. Allele origin: germline. Affected: yes. Study: VKGL Data-share Consensus. Not counted in ClinVar's aggregate classification.

Joint Genome Diagnostic Labs from Nijmegen and Maastricht, Radboudumc and MUMC+
Classification: Benign. Review status: no assertion criteria provided. Collection method: clinical testing. Allele origin: germline. Affected: yes. Study: VKGL Data-share Consensus. Not counted in ClinVar's aggregate classification.